The following is an entry in ClinVar:

ClinVar aggregate classification (germline): Benign. Review status: criteria provided, multiple submitters, no conflicts (2 of 4 stars). 2 submissions from 2 submitters: Benign (2). Last evaluated 2018-06-14.

Allele frequency attached by ClinVar (database versions not stated): gnomAD 0.02057 and 0.02194; TOPMed 0.02328; 1000 Genomes Project 0.02636; 1000 Genomes Project 30x 0.02873.
gnomAD v4.1: 3,081 of 151,826 alleles (2%); highest among the groups gnomAD compares: African/African-American, 7.1%; 115 homozygotes.

Submissions (2):

GeneDx
Classification: Benign. Last evaluated: 2018-06-14. Review status: criteria provided, single submitter. Criteria: GeneDx Variant Classification (06012015). Collection method: clinical testing. Allele origin: germline. Affected: yes.
Comment: This variant is considered likely benign or benign based on one or more of the following criteria: it is a conservative change, it occurs at a poorly conserved position in the protein, it is predicted to be benign by multiple in silico algorithms, and/or has population frequency not consistent with disease.

Breakthrough Genomics
Classification: Benign. Review status: criteria provided, single submitter. Criteria: ACMG Guidelines, 2015. Collection method: not provided. Allele origin: germline. Inheritance: Autosomal recessive inheritance. Affected: yes.

NM_020247.5(COQ8A):c.730+281T>C

Gene: COQ8A (coenzyme Q8A; plus strand). Cytogenetic location: 1q42.13.
Variant type: single nucleotide variant.
Coding change: c.730+281T>C on transcript NM_020247.5 (MANE Select); 281 bases into the intron after coding-DNA position 730, T replaced by C.
Molecular consequence: intron variant.
Genome position (GRCh38, 1-based): chr1:226,977,804, T>C. VCF-style: chr1-226977804-T-C. GRCh37 (hg19) VCF-style: chr1-227165505-T-C.
Identifiers: ClinVar variation 673077 (VCV000673077.2), dbSNP rs116517333, ClinGen allele CA38640476.